The following is an entry in ClinVar:

ClinVar aggregate classification (germline): Uncertain significance. Review status: criteria provided, multiple submitters, no conflicts (2 of 4 stars). 3 submissions from 3 submitters: Uncertain significance (3). Last evaluated 2024-05-20.

Conditions:
Pseudohypoaldosteronism type 2C (PHA2C). Also called: Pseudohypoaldosteronism Type IIC. Identifiers: Orphanet 757, Orphanet 88940, MedGen C1840391, MONDO:0013778, OMIM 614492.
Neuropathy, hereditary sensory and autonomic, type 2A (HSAN2A). Also called: ACROOSTEOLYSIS, GIACCAI TYPE; ACROOSTEOLYSIS, NEUROGENIC; MORVAN DISEASE; NEUROPATHY, CONGENITAL SENSORY; NEUROPATHY, HEREDITARY SENSORY RADICULAR, AUTOSOMAL RECESSIVE; NEUROPATHY, HEREDITARY SENSORY, TYPE IIA. Identifiers: Orphanet 970, MedGen C2752089, MONDO:0024309, OMIM 201300.
Inborn genetic diseases. Identifiers: MedGen C0950123, MeSH D030342.

Allele frequency attached by ClinVar (database versions not stated): ExAC 0.00002; gnomAD exomes 0.00002.
gnomAD v4.1: 9 of 1,614,036 alleles (0.00056%); highest among the groups gnomAD compares: East Asian, 0.0022%; no homozygotes.

Submissions (3):

Fulgent Genetics
Classification: Uncertain significance for Neuropathy, hereditary sensory and autonomic, type 2A; Pseudohypoaldosteronism type 2C. Last evaluated: 2024-05-20. Review status: criteria provided, single submitter. Criteria: ACMG Guidelines, 2015. Collection method: clinical testing. Allele origin: germline.

Ambry Genetics
Classification: Uncertain significance for Inborn genetic diseases. Last evaluated: 2023-12-28. Review status: criteria provided, single submitter. Criteria: Ambry Variant Classification Scheme 2023. Collection method: clinical testing. Allele origin: germline.
Comment: The c.3965+4C>T intronic alteration consists of a C to T substitution 4 nucleotides after coding exon 13 in the WNK1 gene. Based on insufficient or conflicting evidence, the clinical significance of this alteration remains unclear.

Labcorp Genetics (formerly Invitae), Labcorp
Classification: Uncertain significance for Neuropathy, hereditary sensory and autonomic, type 2A; Pseudohypoaldosteronism type 2C. Last evaluated: 2020-01-25. Review status: criteria provided, single submitter. Criteria: Invitae Variant Classification Sherloc (09022015). Collection method: clinical testing. Allele origin: germline.
Comment: This sequence change falls in intron 13 of the WNK1 gene. It does not directly change the encoded amino acid sequence of the WNK1 protein, but it affects a nucleotide within the consensus splice site of the intron. This variant is present in population databases (rs768185780, ExAC 0.01%). This variant has not been reported in the literature in individuals with WNK1-related conditions. In summary, the available evidence is currently insufficient to determine the role of this variant in disease. Therefore, it has been classified as a Variant of Uncertain Significance. Nucleotide substitutions within the consensus splice site are a relatively common cause of aberrant splicing (PMID: 17576681, 9536098). Algorithms developed to predict the effect of sequence changes on RNA splicing suggest that this variant is not likely to affect RNA splicing, but this prediction has not been confirmed by published transcriptional studies.

Literature cited by the submitters: PubMed 17576681 (cited by Labcorp Genetics (formerly Invitae), Labcorp); PubMed 9536098 (cited by Labcorp Genetics (formerly Invitae), Labcorp).

NM_018979.4(WNK1):c.3209+4C>T

Gene: WNK1 (WNK lysine deficient protein kinase 1; plus strand). Cytogenetic location: 12p13.33.
Variant type: single nucleotide variant.
Coding change: c.3209+4C>T on transcript NM_018979.4 (MANE Select); 4 bases into the intron after coding-DNA position 3209, C replaced by T.
Molecular consequence: intron variant.
Genome position (GRCh38, 1-based): chr12:881,793, C>T. VCF-style: chr12-881793-C-T. GRCh37 (hg19) VCF-style: chr12-990959-C-T.
Other names: c.3965+4C>T (NM_213655.4, NM_213655.5); c.3989+4C>T (NM_001184985.2); c.2468+4C>T (NM_014823.3).
Identifiers: ClinVar variation 1019238 (VCV001019238.8), dbSNP rs768185780, ClinGen allele CA6382693.
Genomic context (GRCh38, chr12:881,793, plus strand): 5'-TGCAGTAGCACAGACCCAAGCTACCCAGCCGACCACTTTGGCTTCCTCTGTAGACAGGTA[C>T]GTAAAACTAGAATTCTCCTTCCTTGACTGGTAAATAAGACGGTATGAAACGCCAAACTGT-3'